The following is an entry in ClinVar:

ClinVar aggregate classification (germline): Likely benign. Review status: criteria provided, single submitter (1 of 4 stars). 2 submissions from 2 submitters: Likely benign (1). 1 of the submissions does not count toward it. Last evaluated 2025-10-18.

Conditions:
MYORG-related disorder. Also called: MYORG-related condition.

Allele frequency attached by ClinVar (database versions not stated): ESP Exome Variant Server 0.00183; ExAC 0.00056; 1000 Genomes Project 30x 0.00109; gnomAD exomes 0.00015; 1000 Genomes Project 0.00100.
gnomAD v4.1: 481 of 1,614,024 alleles (0.03%); highest among the groups gnomAD compares: African/African-American, 0.57%; 3 homozygotes.

Submissions (2):

Labcorp Genetics (formerly Invitae), Labcorp
Classification: Likely benign. Last evaluated: 2025-10-18. Review status: criteria provided, single submitter. Criteria: Invitae Variant Classification Sherloc (09022015). Collection method: clinical testing. Allele origin: germline.

PreventionGenetics, part of Exact Sciences
Classification: Likely benign for MYORG-related condition. Last evaluated: 2019-12-06. Review status: no assertion criteria provided. Collection method: clinical testing. Allele origin: germline. Not counted in ClinVar's aggregate classification.
Comment: This variant is classified as likely benign based on ACMG/AMP sequence variant interpretation guidelines (Richards et al. 2015 PMID: 25741868, with internal and published modifications).

NM_020702.5(MYORG):c.928C>T (p.Pro310Ser)

Gene: MYORG (myogenesis regulating glycosidase; minus strand). Cytogenetic location: 9p13.3.
Variant type: single nucleotide variant.
Coding change: c.928C>T on transcript NM_020702.5 (MANE Select); coding-DNA position 928, C replaced by T.
Protein change: p.Pro310Ser; replaces proline 310 with serine.
Molecular consequence: missense variant.
Genome position (GRCh38, 1-based): chr9:34,372,016, G>A on the plus strand (C>T on the coding strand, the complement: MYORG is on the minus strand). VCF-style: chr9-34372016-G-A. GRCh37 (hg19) VCF-style: chr9-34372014-G-A.
Other names: c.928C>T (NM_020702.4); short protein forms P310S.
Identifiers: ClinVar variation 2755638 (VCV002755638.5), dbSNP rs202003652, ClinGen allele CA5033041.